The following is an entry in ClinVar:

ClinVar aggregate classification (germline): Uncertain significance (1 of 4 stars; one submission).

Conditions:
RASopathy. Also called: Noonan spectrum disorder; rasopathies. Identifiers: Orphanet 536391, MedGen C5555857, MONDO:0021060.

gnomAD v4.1: 2 of 1,614,048 alleles (0.00012%); highest among the groups gnomAD compares: Non-Finnish European, 0.00017%; no homozygotes.

Submission:

Labcorp Genetics (formerly Invitae), Labcorp
Classification: Uncertain significance for RASopathy. Last evaluated: 2025-10-26. Review status: criteria provided, single submitter. Criteria: Invitae Variant Classification Sherloc (09022015). Collection method: clinical testing. Allele origin: germline.
Comment: This sequence change replaces serine, which is neutral and polar, with asparagine, which is neutral and polar, at codon 441 of the CBL protein (p.Ser441Asn). This variant is not present in population databases (gnomAD no frequency). This variant has not been reported in the literature in individuals affected with CBL-related conditions. ClinVar contains an entry for this variant (Variation ID: 3612505). Invitae Evidence Modeling of protein sequence and biophysical properties (such as structural, functional, and spatial information, amino acid conservation, physicochemical variation, residue mobility, and thermodynamic stability) indicates that this missense variant is not expected to disrupt CBL protein function with a negative predictive value of 95%. In summary, the available evidence is currently insufficient to determine the role of this variant in disease. Therefore, it has been classified as a Variant of Uncertain Significance.

NM_005188.4(CBL):c.1322G>A (p.Ser441Asn)

Gene: CBL (Cbl proto-oncogene; plus strand). Cytogenetic location: 11q23.3.
Variant type: single nucleotide variant.
Coding change: c.1322G>A on transcript NM_005188.4 (MANE Select); coding-DNA position 1322, G replaced by A.
Protein change: p.Ser441Asn; replaces serine 441 with asparagine.
Molecular consequence: missense variant.
Genome position (GRCh38, 1-based): chr11:119,278,604, G>A. VCF-style: chr11-119278604-G-A. GRCh37 (hg19) VCF-style: chr11-119149314-G-A.
Other names: short protein forms S441N.
Identifiers: ClinVar variation 3612505 (VCV003612505.2).